The following is an entry in ClinVar:

NM_001243133.2(NLRP3):c.386A>G (p.Lys129Arg)

Gene: NLRP3 (NLR family pyrin domain containing 3; plus strand). Cytogenetic location: 1q44.
Variant type: single nucleotide variant.
Coding change: c.386A>G on transcript NM_001243133.2 (MANE Select); coding-DNA position 386, A replaced by G.
Protein change: p.Lys129Arg; replaces lysine 129 with arginine.
Molecular consequence: missense variant.
Genome position (GRCh38, 1-based): chr1:247,423,338, A>G. VCF-style: chr1-247423338-A-G. GRCh37 (hg19) VCF-style: chr1-247586640-A-G.
Other names: c.386A>G, p.Lys129Arg (NM_001079821.3, NM_001127461.3, NM_001127462.3 and 1 more transcripts); c.392A>G, p.Lys131Arg (NM_004895.5); short protein forms K131R, K129R.
Identifiers: ClinVar variation 234287 (VCV000234287.9), dbSNP rs188623199, ClinGen allele CA1494835.

ClinVar aggregate classification (germline): Uncertain significance. Review status: criteria provided, multiple submitters, no conflicts (2 of 4 stars). 3 submissions from 3 submitters: Uncertain significance (3). Last evaluated 2024-06-06.

Conditions:
Familial amyloid nephropathy with urticaria AND deafness (MWS). Also called: UDA SYNDROME; URTICARIA-DEAFNESS-AMYLOIDOSIS SYNDROME; MUCKLE-WELLS SYNDROME; Urticaria, deafness and amyloidosis; CRYOPYRIN-ASSOCIATED PERIODIC SYNDROME 2. Identifiers: Orphanet 575, MedGen C0268390, MONDO:0008633, OMIM 191900.
Hearing loss, autosomal dominant 34, with or without inflammation. Also called: DEAFNESS, AUTOSOMAL DOMINANT 34, WITH OR WITHOUT INFLAMMATION. Identifiers: MedGen C4521680, MONDO:0033261, OMIM 617772.
Keratitis fugax hereditaria. Also called: KERATOENDOTHELIITIS FUGAX HEREDITARIA. Identifiers: Orphanet 647815, MedGen C1835697, MONDO:0007849, OMIM 148200.
Chronic infantile neurological, cutaneous and articular syndrome (CINCA). Also called: CHRONIC NEUROLOGIC CUTANEOUS AND ARTICULAR SYNDROME; CINCA syndrome; Prieur Griscelli syndrome; CRYOPYRIN-ASSOCIATED PERIODIC SYNDROME 3. Identifiers: Orphanet 1451, MedGen C0409818, MONDO:0011776, OMIM 607115.
Familial cold autoinflammatory syndrome 1 (FCAS1). Also called: CRYOPYRIN-ASSOCIATED PERIODIC SYNDROME 1; Familial cold inflammatory syndrome 1. Identifiers: Orphanet 47045, MedGen C4551895, MONDO:0007349, OMIM 120100.
Cryopyrin associated periodic syndrome (CAPS). Identifiers: Orphanet 208650, MedGen C2316212, MONDO:0016168.

Allele frequency attached by ClinVar (database versions not stated): gnomAD 0.00002 and 0.00004; TOPMed 0.00002; gnomAD exomes 0.00003 and 0.00006; ExAC 0.00008; 1000 Genomes Project 0.00040; 1000 Genomes Project 30x 0.00047.
gnomAD v4.1: 55 of 1,613,990 alleles (0.0034%); highest among the groups gnomAD compares: East Asian, 0.12%; no homozygotes.

Submissions (3):

Labcorp Genetics (formerly Invitae), Labcorp
Classification: Uncertain significance for Cryopyrin associated periodic syndrome. Last evaluated: 2024-06-06. Review status: criteria provided, single submitter. Criteria: Invitae Variant Classification Sherloc (09022015). Collection method: clinical testing. Allele origin: germline.
Comment: This sequence change replaces lysine, which is basic and polar, with arginine, which is basic and polar, at codon 131 of the NLRP3 protein (p.Lys131Arg). This variant is present in population databases (rs188623199, gnomAD 0.08%), and has an allele count higher than expected for a pathogenic variant. This missense change has been observed in individual(s) with Muckle-Wells syndrome (PMID: 28956000, 31155445, 34519870, 37368056). This variant is also known as K129R. ClinVar contains an entry for this variant (Variation ID: 234287). Algorithms developed to predict the effect of missense changes on protein structure and function output the following: SIFT: "Not Available"; PolyPhen-2: "Benign"; Align-GVGD: "Not Available". The arginine amino acid residue is found in multiple mammalian species, which suggests that this missense change does not adversely affect protein function. In summary, the available evidence is currently insufficient to determine the role of this variant in disease. Therefore, it has been classified as a Variant of Uncertain Significance.

Fulgent Genetics
Classification: Uncertain significance for Familial cold autoinflammatory syndrome 1; Keratitis fugax hereditaria; Familial amyloid nephropathy with urticaria AND deafness; Chronic infantile neurological, cutaneous and articular syndrome; Hearing loss, autosomal dominant 34, with or without inflammation. Last evaluated: 2022-01-06. Review status: criteria provided, single submitter. Criteria: ACMG Guidelines, 2015. Collection method: clinical testing. Allele origin: unknown.

GeneDx
Classification: Uncertain significance. Last evaluated: 2013-02-19. Review status: criteria provided, single submitter. Criteria: GeneDx Variant Classification (06012015). Collection method: clinical testing. Allele origin: germline. Affected: yes.
Comment: To our knowledge, the K131R missense substitution in the NLRP3 gene has neither been published as a mutation, nor reported as a benign polymorphism. K131R represents a conservative amino acid substitution as both Lysine and Arginine are positively-charged amino acids. The position in the NLRP3 protein where this substitution occurs is moderately conserved among species; although, very few mutations have been reported outside of exon 3 of the NLRP3 gene. However, a missense substitution in a neighboring codon (R137H aka R135H) has been reported in an individual with a diagnosis of Muckle-Wells syndrome (Lainka et al., 2010). Therefore, based on the currently available information, it is unclear whether K131R is a disease-causing mutation or a rare benign variant.

Literature cited by the submitters: PubMed 28956000 (cited by Labcorp Genetics (formerly Invitae), Labcorp); PubMed 31155445 (cited by Labcorp Genetics (formerly Invitae), Labcorp); PubMed 34519870 (cited by Labcorp Genetics (formerly Invitae), Labcorp); PubMed 37368056 (cited by Labcorp Genetics (formerly Invitae), Labcorp).